The following is an entry in ClinVar:

NM_002890.3(RASA1):c.2063A>C (p.Glu688Ala)

Genes: CCNH (cyclin H; minus strand), RASA1 (RAS p21 protein activator 1; plus strand). Cytogenetic location: 5q14.3.
Variant type: single nucleotide variant.
Coding change: c.2063A>C on transcript NM_002890.3 (MANE Select); coding-DNA position 2063, A replaced by C.
Protein change: p.Glu688Ala; replaces glutamic acid 688 with alanine.
Molecular consequence: missense variant. On other transcripts: intron variant (1).
Genome position (GRCh38, 1-based): chr5:87,376,444, A>C. VCF-style: chr5-87376444-A-C. GRCh37 (hg19) VCF-style: chr5-86672261-A-C.
Other names: c.1532A>C, p.Glu511Ala (NM_022650.3); c.933+18600T>G (NM_001364075.2); short protein forms E511A, E688A.
Identifiers: ClinVar variation 4742139 (VCV004742139.2).

ClinVar aggregate classification (germline): Uncertain significance. Review status: criteria provided, multiple submitters, no conflicts (2 of 4 stars). 2 submissions from 2 submitters: Uncertain significance (2). Last evaluated 2026-08-04.

Conditions:
Cardiovascular phenotype. Identifiers: MedGen CN230736.
Capillary malformation-arteriovenous malformation syndrome. Also called: Capillary malformation-arteriovenous malformation. Identifiers: Orphanet 137667, MedGen C1842180, MONDO:0012016.

Submissions (2):

Ambry Genetics
Classification: Uncertain significance for Cardiovascular phenotype. Last evaluated: 2026-08-04. Review status: criteria provided, single submitter. Criteria: Ambry Variant Classification Scheme 2023. Collection method: clinical testing. Allele origin: germline.

Labcorp Genetics (formerly Invitae), Labcorp
Classification: Uncertain significance for Capillary malformation-arteriovenous malformation syndrome. Last evaluated: 2025-10-25. Review status: criteria provided, single submitter. Criteria: Invitae Variant Classification Sherloc (09022015). Collection method: clinical testing. Allele origin: germline.
Comment: This sequence change replaces glutamic acid, which is acidic and polar, with alanine, which is neutral and non-polar, at codon 688 of the RASA1 protein (p.Glu688Ala). This variant is not present in population databases (gnomAD no frequency). This variant has not been reported in the literature in individuals affected with RASA1-related conditions. An algorithm developed to predict the effect of missense changes on protein structure and function (PolyPhen-2) suggests that this variant is likely to be disruptive. In summary, the available evidence is currently insufficient to determine the role of this variant in disease. Therefore, it has been classified as a Variant of Uncertain Significance.